The following is an entry in ClinVar:

ClinVar aggregate classification (germline): Likely pathogenic (1 of 4 stars; one submission).

Conditions:
Intellectual developmental disorder, X-linked 1. Also called: Atkin Flaitz Patil Smith syndrome; Intellectual disability, X-linked 1; MENTAL RETARDATION, X-LINKED 18; MENTAL RETARDATION, X-LINKED 78. Identifiers: Orphanet 777, MedGen C2931498, MONDO:0010656, OMIM 309530.

Submission:

Labcorp Genetics (formerly Invitae), Labcorp
Classification: Likely pathogenic for Intellectual developmental disorder, X-linked 1. Last evaluated: 2022-12-13. Review status: criteria provided, single submitter. Criteria: Invitae Variant Classification Sherloc (09022015). Collection method: clinical testing. Allele origin: germline.
Comment: In summary, the currently available evidence indicates that the variant is pathogenic, but additional data are needed to prove that conclusively. Therefore, this variant has been classified as Likely Pathogenic. Algorithms developed to predict the effect of sequence changes on RNA splicing suggest that this variant may disrupt the consensus splice site. This variant has not been reported in the literature in individuals affected with IQSEC2-related conditions. This variant is not present in population databases (gnomAD no frequency). This variant results in the deletion of part of exon 5 (c.1402-124_1533del) of the IQSEC2 gene. It is expected to disrupt RNA splicing. Variants that disrupt the donor or acceptor splice site typically lead to a loss of protein function (PMID: 16199547), and loss-of-function variants in IQSEC2 are known to be pathogenic (PMID: 21686261, 26793055, 27665735).

Literature cited by the submitters: PubMed 16199547; PubMed 21686261; PubMed 26793055; PubMed 27665735.

NM_001111125.3(IQSEC2):c.1402-124_1533del

Gene: IQSEC2 (IQ motif and Sec7 domain ArfGEF 2; minus strand). Cytogenetic location: Xp11.22.
Variant type: Deletion.
Coding change: c.1402-124_1533del on transcript NM_001111125.3 (MANE Select); 124 bases into the intron before coding-DNA position 1402 through coding-DNA position 1533, 256 bases deleted.
Molecular consequence: splice acceptor variant.
Genome position (GRCh38, 1-based): chrX:53,251,043-53,251,298, 256 bases deleted. GRCh37 (hg19): chrX:53,280,225-53,280,480.
Other names: c.1402-124_1533del (NM_001410736.1); c.787-124_918del (NM_015075.2).
Identifiers: ClinVar variation 2820581 (VCV002820581.3), dbSNP rs2519809669, ClinGen allele CA2739273521.